The following is an entry in ClinVar:

NM_030665.4(RAI1):c.4214A>G (p.Asn1405Ser)

Gene: RAI1 (retinoic acid induced 1; plus strand). Cytogenetic location: 17p11.2.
Variant type: single nucleotide variant.
Coding change: c.4214A>G on transcript NM_030665.4 (MANE Select); coding-DNA position 4214, A replaced by G.
Protein change: p.Asn1405Ser; replaces asparagine 1405 with serine.
Molecular consequence: missense variant.
Genome position (GRCh38, 1-based): chr17:17,797,162, A>G. VCF-style: chr17-17797162-A-G. GRCh37 (hg19) VCF-style: chr17-17700476-A-G.
Other names: short protein forms N1405S.
Identifiers: ClinVar variation 1996838 (VCV001996838.4), dbSNP rs543238500, ClinGen allele CA8418908.

ClinVar aggregate classification (germline): Uncertain significance (1 of 4 stars; one submission).

Allele frequency attached by ClinVar (database versions not stated): gnomAD exomes below 0.00001; ExAC 0.00001; gnomAD 0.00001; TOPMed 0.00002; 1000 Genomes Project 30x 0.00016; 1000 Genomes Project 0.00020.
gnomAD v4.1: 4 of 1,613,908 alleles (0.00025%); highest among the groups gnomAD compares: African/African-American, 0.004%; no homozygotes.

Submission:

Labcorp Genetics (formerly Invitae), Labcorp
Classification: Uncertain significance. Last evaluated: 2024-10-23. Review status: criteria provided, single submitter. Criteria: Invitae Variant Classification Sherloc (09022015). Collection method: clinical testing. Allele origin: germline.
Comment: This sequence change replaces asparagine, which is neutral and polar, with serine, which is neutral and polar, at codon 1405 of the RAI1 protein (p.Asn1405Ser). This variant is present in population databases (rs543238500, gnomAD 0.005%). This variant has not been reported in the literature in individuals affected with RAI1-related conditions. ClinVar contains an entry for this variant (Variation ID: 1996838). Invitae Evidence Modeling of protein sequence and biophysical properties (such as structural, functional, and spatial information, amino acid conservation, physicochemical variation, residue mobility, and thermodynamic stability) indicates that this missense variant is not expected to disrupt RAI1 protein function with a negative predictive value of 80%. In summary, the available evidence is currently insufficient to determine the role of this variant in disease. Therefore, it has been classified as a Variant of Uncertain Significance.